The following is an entry in ClinVar:

NM_000238.4(KCNH2):c.147C>G (p.Cys49Trp)

Gene: KCNH2 (potassium voltage-gated channel subfamily H member 2; minus strand). Cytogenetic location: 7q36.1.
Variant type: single nucleotide variant.
Coding change: c.147C>G on transcript NM_000238.4 (MANE Select); coding-DNA position 147, C replaced by G.
Protein change: p.Cys49Trp; replaces cysteine 49 with tryptophan.
Molecular consequence: missense variant.
Genome position (GRCh38, 1-based): chr7:150,974,871, G>C on the plus strand (C>G on the coding strand, the complement: KCNH2 is on the minus strand). VCF-style: chr7-150974871-G-C. GRCh37 (hg19) VCF-style: chr7-150671959-G-C.
Other names: p.C49W:TGC>TGG; c.-31C>G (NM_001406755.1); c.147C>G, p.Cys49Trp (NM_172056.3); short protein forms C49W.
Identifiers: ClinVar variation 200555 (VCV000200555.4), dbSNP rs794728410, ClinGen allele CA004708.

ClinVar aggregate classification (germline): Pathogenic (1 of 4 stars; one submission).

Submission:

GeneDx
Classification: Pathogenic. Last evaluated: 2013-06-19. Review status: criteria provided, single submitter. Criteria: GeneDx Variant Classification (06012015). Collection method: clinical testing. Allele origin: germline. Affected: yes.
Comment: The C49W mutation in the KCNH2 gene has not been reported to our knowledge, a mutation affecting this same residue, C49Y, has been reported in association with LQTS (Napolitano C et al., 2005). Additionally, mutations in nearby residues (N45D, N45Y, N45S, G47V, G47D, G53R, G53S, G53V) have been reported in association with LQTS, further supporting the functional importance of this residue and this region of the protein. C49W results in a non-conservative amino acid substitution of a polar Cystine with a non-polar Tryptophan at a position that is conserved across species. Furthermore, C49W was not observed in approximately 6,500 individuals of European and African American ancestry in the NHLBI Exome Sequencing Project, indicating it is not a common benign variant in these populations. The variant is found in LQT panel(s).